The following is an entry in ClinVar:

ClinVar aggregate classification (germline): Likely benign. Review status: criteria provided, multiple submitters, no conflicts (2 of 4 stars). 3 submissions from 3 submitters: Likely benign (2). 1 of the submissions does not count toward it. Last evaluated 2024-01-11.

Conditions:
CEP290-related disorder. Also called: CEP290-related condition; CEP290-related disorders. Identifiers: MedGen CN239314.
Meckel-Gruber syndrome. Also called: DYSENCEPHALIA SPLANCHNOCYSTICA; GRUBER SYNDROME; Dysencephalia splachnocystica. Identifiers: Orphanet 564, MedGen C0265215, MONDO:0018921.
Nephronophthisis. Also called: Juvenile Nephronophthisis. Identifiers: Orphanet 655, MedGen C0687120, MONDO:0019005, HP:0000090.
Joubert syndrome. Also called: Familial aplasia of the vermis; JOUBERT-BOLTSHAUSER SYNDROME. Identifiers: Orphanet 475, MedGen C5979921, MONDO:0018772.

Allele frequency attached by ClinVar (database versions not stated): gnomAD exomes below 0.00001.
gnomAD v4.1: 4 of 1,612,210 alleles (0.00025%); highest among the groups gnomAD compares: Middle Eastern, 0.033%; no homozygotes.

Submissions (3):

Blueprint Genetics
Classification: Likely benign. Last evaluated: 2024-01-11. Review status: criteria provided, single submitter. Criteria: ACMG Guidelines, 2015. Collection method: clinical testing. Allele origin: germline.

Labcorp Genetics (formerly Invitae), Labcorp
Classification: Likely benign for Joubert syndrome; Meckel-Gruber syndrome; Nephronophthisis. Last evaluated: 2023-12-19. Review status: criteria provided, single submitter. Criteria: Invitae Variant Classification Sherloc (09022015). Collection method: clinical testing. Allele origin: germline.

PreventionGenetics, part of Exact Sciences
Classification: Likely benign for CEP290-related condition. Last evaluated: 2024-01-05. Review status: no assertion criteria provided. Collection method: clinical testing. Allele origin: germline. Not counted in ClinVar's aggregate classification.
Comment: This variant is classified as likely benign based on ACMG/AMP sequence variant interpretation guidelines (Richards et al. 2015 PMID: 25741868, with internal and published modifications).

NM_025114.4(CEP290):c.4677T>C (p.Tyr1559=)

Gene: CEP290 (centrosomal protein 290; minus strand). Cytogenetic location: 12q21.32.
Variant type: single nucleotide variant.
Coding change: c.4677T>C on transcript NM_025114.4 (MANE Select); coding-DNA position 4677, T replaced by C.
Protein change: p.Tyr1559=; no amino-acid change (tyrosine 1559 retained).
Molecular consequence: synonymous variant.
Genome position (GRCh38, 1-based): chr12:88,084,613, A>G on the plus strand (T>C on the coding strand, the complement: CEP290 is on the minus strand). VCF-style: chr12-88084613-A-G. GRCh37 (hg19) VCF-style: chr12-88478390-A-G.
Other names: c.4677T>C (NM_025114.3).
Identifiers: ClinVar variation 1535126 (VCV001535126.11), dbSNP rs2137182509, ClinGen allele CA481076424.